The following is an entry in ClinVar:

ClinVar aggregate classification (germline): Uncertain significance (1 of 4 stars; one submission).

Conditions:
Methylcobalamin deficiency type cblG (HMAG). Also called: HOMOCYSTINURIA-MEGALOBLASTIC ANEMIA, cblG TYPE; HOMOCYSTINURIA-MEGALOBLASTIC ANEMIA DUE TO DEFECT IN COBALAMIN METABOLISM, cblG COMPLEMENTATION TYPE; Functional methionine synthase deficiency type cblG; HOMOCYSTINURIA-MEGALOBLASTIC ANEMIA, cblG COMPLEMENTATION TYPE. Identifiers: Orphanet 2170, Orphanet 622, MedGen C1855128, MONDO:0009609, OMIM 250940.

Submission:

Labcorp Genetics (formerly Invitae), Labcorp
Classification: Uncertain significance for Methylcobalamin deficiency type cblG. Last evaluated: 2024-11-04. Review status: criteria provided, single submitter. Criteria: Invitae Variant Classification Sherloc (09022015). Collection method: clinical testing. Allele origin: germline.
Comment: This sequence change falls in intron 24 of the MTR gene. It does not directly change the encoded amino acid sequence of the MTR protein. This variant is not present in population databases (gnomAD no frequency). This variant has not been reported in the literature in individuals affected with MTR-related conditions. ClinVar contains an entry for this variant (Variation ID: 1914699). In summary, the available evidence is currently insufficient to determine the role of this variant in disease. Therefore, it has been classified as a Variant of Uncertain Significance.

NM_000254.3(MTR):c.2594+1_2594+36dup

Gene: MTR (5-methyltetrahydrofolate-homocysteine methyltransferase; plus strand). Cytogenetic location: 1q43.
Variant type: Duplication.
Coding change: c.2594+1_2594+36dup on transcript NM_000254.3 (MANE Select); the canonical splice donor site of the intron after coding-DNA position 2594 through 36 bases into the intron after coding-DNA position 2594, 36 bases duplicated.
Molecular consequence: splice donor variant.
Genome position (GRCh38, 1-based): chr1:236,874,847-236,874,882, 36 bases duplicated; duplicating any 36 consecutive bases within chr1:236,874,838-236,874,882 gives the same sequence; the c. name uses the placement nearest the transcript's 3' end. GRCh37 (hg19): chr1:237,038,147-237,038,182.
Other names: c.2441+1_2441+36dup (NM_001291939.1); c.1373+1_1373+36dup (NM_001291940.2).
Identifiers: ClinVar variation 1914699 (VCV001914699.5), dbSNP rs764099969, ClinGen allele CA1474438.
Genomic context (GRCh38, chr1:236,874,837, plus strand): 5'-TTGTTGCCAAGGAAATGGAGAGATTAGCTATAAGGATTCCATTGTTGATTGGAGGAGCAA[C>CCACTTCAAAGTAAGTTATACTAATGAGCTTTGTCCT]CACTTCAAAGTAAGTTATACTAATGAGCTTTGTCCTCACTTCAAATTTTCTTATATGCCA-3'